The following is an entry in ClinVar:

ClinVar aggregate classification (germline): Uncertain significance (1 of 4 stars; one submission).

Conditions:
Hepatic veno-occlusive disease-immunodeficiency syndrome. Also called: Hepatic Veno-Occlusive Disease with Immunodeficiency. Identifiers: Orphanet 79124, MedGen C1856128, MONDO:0009338, OMIM 235550. Disease mechanism: loss of function.

gnomAD v4.1: 35 of 1,613,762 alleles (0.0022%); highest among the groups gnomAD compares: Non-Finnish European, 0.0029%; no homozygotes.

Submission:

Labcorp Genetics (formerly Invitae), Labcorp
Classification: Uncertain significance for Hepatic veno-occlusive disease-immunodeficiency syndrome. Last evaluated: 2025-07-10. Review status: criteria provided, single submitter. Criteria: Invitae Variant Classification Sherloc (09022015). Collection method: clinical testing. Allele origin: germline.
Comment: This sequence change replaces glutamic acid, which is acidic and polar, with lysine, which is basic and polar, at codon 10 of the SP110 protein (p.Glu10Lys). This variant is present in population databases (no rsID available, gnomAD 0.0009%). This variant has not been reported in the literature in individuals affected with SP110-related conditions. An algorithm developed to predict the effect of missense changes on protein structure and function outputs the following: PolyPhen-2: "Benign". The lysine amino acid residue is found in multiple mammalian species, which suggests that this missense change does not adversely affect protein function. In summary, the available evidence is currently insufficient to determine the role of this variant in disease. Therefore, it has been classified as a Variant of Uncertain Significance.

NM_080424.4(SP110):c.28G>A (p.Glu10Lys)

Genes: SP140 (SP140 nuclear body protein; plus strand), SP110 (SP110 nuclear body protein; minus strand). Cytogenetic location: 2q37.1.
Variant type: single nucleotide variant.
Coding change: c.28G>A on transcript NM_080424.4 (MANE Select); coding-DNA position 28, G replaced by A.
Protein change: p.Glu10Lys; replaces glutamic acid 10 with lysine.
Molecular consequence: missense variant.
Genome position (GRCh38, 1-based): chr2:230,216,900, C>T on the plus strand (G>A on the coding strand, the complement: SP110 is on the minus strand). VCF-style: chr2-230216900-C-T. GRCh37 (hg19) VCF-style: chr2-231081615-C-T.
Other names: c.46G>A, p.Glu16Lys (NM_001185015.2, NM_001378442.1, NM_001378444.1 and 2 more transcripts); c.28G>A, p.Glu10Lys (NM_001378443.1, NM_001378447.1, NM_004509.5 and 1 more transcripts); short protein forms E10K, E16K.
Identifiers: ClinVar variation 4764113 (VCV004764113.1).
Genomic context (GRCh38, chr2:230,216,900, plus strand): 5'-GCTTGTGTATGGCATAGGCGATCCCCAGCTTCTGGTGCATGAAGTGCTGAAAAAGAGCCT[C>T]TTCCATGGCTCTTGTCATGGTGAACATCCTATGGAAAGAGGCATGATAAAAAATAGAAGC-3'
Protein context (NP_536349.3, residues 1-20): MFTMTRAME[Glu10Lys]ALFQHFMHQK